The following is an entry in ClinVar:

NM_000496.3(CRYBB2):c.572G>A (p.Arg191His)

Gene: CRYBB2 (crystallin beta B2; plus strand). Cytogenetic location: 22q11.23.
Variant type: single nucleotide variant.
Coding change: c.572G>A on transcript NM_000496.3 (MANE Select); coding-DNA position 572, G replaced by A.
Protein change: p.Arg191His; replaces arginine 191 with histidine.
Molecular consequence: missense variant.
Genome position (GRCh38, 1-based): chr22:25,231,726, G>A. VCF-style: chr22-25231726-G-A. GRCh37 (hg19) VCF-style: chr22-25627693-G-A.
Other names: short protein forms R191H.
Identifiers: ClinVar variation 4980574 (VCV004980574.1).
Genomic context (GRCh38, chr22:25,231,726, plus strand): 5'-ACAAGGACAGCAGCGACTTTGGGGCCCCTCACCCCCAGGTGCAGTCCGTGCGCCGTATCC[G>A]CGACATGCAGTGGCACCAACGTGGTGCCTTCCACCCCTCCAACTAGTGCCCTCCCCACCA-3'
Protein context (NP_000487.1, residues 181-201): HPQVQSVRRI[Arg191His]DMQWHQRGAF

ClinVar aggregate classification (germline): Uncertain significance (1 of 4 stars; one submission).

Conditions:
CRYBB2-related disorder. Also called: CRYBB2-related condition.

Submission:

PreventionGenetics, part of Exact Sciences
Classification: Uncertain significance for CRYBB2-related condition. Last evaluated: 2026-07-27. Review status: criteria provided, single submitter. Criteria: ACMG Guidelines, 2015. Collection method: clinical testing. Allele origin: germline.
Comment: The CRYBB2 c.572G>A variant is predicted to result in the amino acid substitution p.Arg191His. To our knowledge, this variant has not been reported in the literature. This variant is reported in 0.069% of alleles in individuals of South Asian descent in gnomAD which may be too frequent for a disease-causing variant; however, this variant falls within a highly paralogous region. Allele frequency data should be interpreted with caution. Although we suspect that this variant may be benign, at this time, the clinical significance of this variant is uncertain due to the absence of conclusive functional and genetic evidence.